The following is an entry in ClinVar:

NM_002439.5(MSH3):c.1249C>T (p.Arg417Trp)

Gene: MSH3 (mutS homolog 3; plus strand). Cytogenetic location: 5q14.1.
Variant type: single nucleotide variant.
Coding change: c.1249C>T on transcript NM_002439.5 (MANE Select); coding-DNA position 1249, C replaced by T.
Protein change: p.Arg417Trp; replaces arginine 417 with tryptophan.
Molecular consequence: missense variant.
Genome position (GRCh38, 1-based): chr5:80,679,002, C>T. VCF-style: chr5-80679002-C-T. GRCh37 (hg19) VCF-style: chr5-79974821-C-T.
Other names: short protein forms R417W.
Identifiers: ClinVar variation 642593 (VCV000642593.19), dbSNP rs143211109, ClinGen allele CA3327839.

ClinVar aggregate classification (germline): Uncertain significance. Review status: criteria provided, multiple submitters, no conflicts (2 of 4 stars). 8 submissions from 8 submitters: Uncertain significance (8). Last evaluated 2026-10-01.

Conditions:
Endometrial carcinoma. Also called: Endometrial carcinoma, somatic. Identifiers: MedGen C0476089, MONDO:0002447, OMIM 608089, HP:0012114.
MSH3-related disorder. Also called: MSH3-related condition.
Familial adenomatous polyposis 4 (FAP4). Also called: MSH3-related attenuated familial adenomatous polyposis. Identifiers: Orphanet 480536, MedGen C4310719, MONDO:0044300, OMIM 617100.
Hereditary cancer-predisposing syndrome. Also called: Hereditary Cancer Syndrome; Neoplastic Syndromes, Hereditary; Tumor predisposition; Hereditary neoplastic syndrome. Identifiers: Orphanet 140162, MedGen C0027672, MeSH D009386, MONDO:0015356.

Allele frequency attached by ClinVar (database versions not stated): gnomAD exomes 0.00004; ExAC 0.00005; TOPMed 0.00009; gnomAD 0.00011; 1000 Genomes Project 0.00020; 1000 Genomes Project 30x 0.00031; ESP Exome Variant Server 0.00046.
gnomAD v4.1: 69 of 1,614,064 alleles (0.0043%); highest among the groups gnomAD compares: African/African-American, 0.025%; no homozygotes.

Submissions (8):

St. Jude Molecular Pathology, St. Jude Children's Research Hospital
Classification: Uncertain significance for Familial adenomatous polyposis 4. Last evaluated: 2026-10-01. Review status: criteria provided, single submitter. Criteria: St. Jude Assertion Criteria 2020. Collection method: clinical testing. Allele origin: germline.
Comment: The MSH3 c.1249C>T p.(Arg417Trp) missense change has a maximum subpopulation frequency of 0.05% in gnomAD v2.1.1. The in silico tool REVEL is inconclusive abo ut a pathogenic or benign effect of this variant on protein function, and to our knowledge functional studies have not been performed. To our knowledge, this variant has not been reported in individuals with MSH3-associated polyposis syndrome. In summary , the evidence currently available is insufficient to determine the clinical significance of this variant. It has therefore been classified as of uncertain significance (VUS-Low).

Labcorp Genetics (formerly Invitae), Labcorp
Classification: Uncertain significance. Last evaluated: 2025-01-02. Review status: criteria provided, single submitter. Criteria: Invitae Variant Classification Sherloc (09022015). Collection method: clinical testing. Allele origin: germline.
Comment: This sequence change replaces arginine, which is basic and polar, with tryptophan, which is neutral and slightly polar, at codon 417 of the MSH3 protein (p.Arg417Trp). This variant is present in population databases (rs143211109, gnomAD 0.04%). This variant has not been reported in the literature in individuals affected with MSH3-related conditions. ClinVar contains an entry for this variant (Variation ID: 642593). An algorithm developed to predict the effect of missense changes on protein structure and function (PolyPhen-2) suggests that this variant is likely to be disruptive. In summary, the available evidence is currently insufficient to determine the role of this variant in disease. Therefore, it has been classified as a Variant of Uncertain Significance.

Ambry Genetics
Classification: Uncertain significance for Hereditary cancer-predisposing syndrome. Last evaluated: 2024-07-18. Review status: criteria provided, single submitter. Criteria: Ambry Variant Classification Scheme 2023. Collection method: clinical testing. Allele origin: germline.
Comment: The p.R417W variant (also known as c.1249C>T), located in coding exon 8 of the MSH3 gene, results from a C to T substitution at nucleotide position 1249. The arginine at codon 417 is replaced by tryptophan, an amino acid with dissimilar properties. This amino acid position is highly conserved in available vertebrate species. In addition, this alteration is predicted to be deleterious by in silico analysis. Based on the available evidence, the clinical significance of this variant remains unclear.

Department of Pathology and Laboratory Medicine, Sinai Health System
Classification: Uncertain significance for Familial adenomatous polyposis 4. Last evaluated: 2024-03-27. Review status: criteria provided, single submitter. Criteria: ACMG Guidelines, 2015. Collection method: clinical testing. Allele origin: germline. Affected: yes.

Baylor Genetics
Classification: Uncertain significance for Endometrial carcinoma. Last evaluated: 2024-03-26. Review status: criteria provided, single submitter. Criteria: ACMG Guidelines, 2015. Collection method: clinical testing. Allele origin: unknown.

Quest Diagnostics Nichols Institute San Juan Capistrano
Classification: Uncertain significance. Last evaluated: 2024-03-15. Review status: criteria provided, single submitter. Criteria: Quest Diagnostics criteria. Collection method: clinical testing. Allele origin: unknown.
Comment: The MSH3 c.1249C>T (p.Arg417Trp) variant has been reported in the published literature in an individual affected with endometrial cancer (PMID: 31054147 (2019)). The frequency of this variant in the general population, 0.00048 (12/24960 chromosomes (Genome Aggregation Database)), is uninformative in the assessment of its pathogenicity. Analysis of this variant using bioinformatics tools for the prediction of the effect of amino acid changes on protein structure and function yielded predictions that this variant is damaging. Based on the available information, we are unable to determine the clinical significance of this variant.

GeneDx
Classification: Uncertain significance. Last evaluated: 2023-01-31. Review status: criteria provided, single submitter. Criteria: GeneDx Variant Classification Process June 2021. Collection method: clinical testing. Allele origin: germline. Affected: yes.
Comment: In silico analysis supports that this missense variant has a deleterious effect on protein structure/function; Observed in an individual with endometrial cancer whose tumor showed loss of PMS2 protein, as well as in an individual with multiple myeloma (Scales et al., 2017; Tian et al., 2019); This variant is associated with the following publications: (PMID: 31785789, 34011629, 31054147, 28404951, 25363768)

PreventionGenetics, part of Exact Sciences
Classification: Uncertain significance for MSH3-related condition. Last evaluated: 2022-10-08. Review status: criteria provided, single submitter. Criteria: ACMG Guidelines, 2015. Collection method: clinical testing. Allele origin: germline.
Comment: The MSH3 c.1249C>T variant is predicted to result in the amino acid substitution p.Arg417Trp. This variant has not been reported in patients with MSH3-related cancer conditions. This variant is reported in 0.048% of alleles in individuals of African descent in gnomAD. At this time, the clinical significance of this variant is uncertain due to the absence of conclusive functional and genetic evidence.

Literature cited by the submitters: PubMed 31054147 (cited by 3 submitters); PubMed 28404951 (cited by Department of Pathology and Laboratory Medicine, Sinai Health System).